The following is an entry in ClinVar:

ClinVar aggregate classification (germline): Pathogenic/Likely pathogenic. Review status: criteria provided, multiple submitters, no conflicts (2 of 4 stars). 13 submissions from 13 submitters: Pathogenic (6); Likely pathogenic (7). Last evaluated 2026-09-01.

Conditions:
Obesity due to melanocortin 4 receptor deficiency. Identifiers: Orphanet 71529, MedGen C4273958, MONDO:0019115.
MC4R-related disorder. Also called: MC4R-related condition.
BODY MASS INDEX QUANTITATIVE TRAIT LOCUS 20 (BMIQ20). Also called: MELANOCORTIN 4 RECEPTOR DEFICIENCY; MC4R DEFICIENCY. Identifiers: MedGen C4759928, OMIM 618406.
Obesity. Also called: Obesity disorder. Identifiers: Orphanet 71529, MedGen C0028754, MeSH D009765, MONDO:0011122, HP:0001513.
Early onset severe obesity. Identifiers: MedGen C4013980.

Allele frequency attached by ClinVar (database versions not stated): gnomAD 0.00001; ExAC 0.00002; gnomAD exomes 0.00002 and 0.00003; TOPMed 0.00002.

Submissions 1 to 10 of 13:

PreventionGenetics, part of Exact Sciences
Classification: Pathogenic for MC4R-related condition. Last evaluated: 2026-09-01. Review status: criteria provided, single submitter. Criteria: ACMG Guidelines, 2015. Collection method: clinical testing. Allele origin: germline.
Comment: The MC4R c.494G>A variant is predicted to result in the amino acid substitution p.Arg165Gln. This variant has been reported in the heterozygous state in numerous individuals with severe obesity, although one individual was reported to be normal weight (BMI = 24.1kg/m2) (Farooqi et al. 2000. PubMed ID: 10903343; Farooqi et al. 2003. PubMed ID: 12646665; Ma et al. 2004. PubMed ID: 15448103; Larsen et al. 2005. PubMed ID: 15486053; Logan et al. 2016. PubMed ID: 26788538). This variant has also been detected in multiple individuals with obesity undergoing testing in our lab (Internal Data, PreventionGenetics). This variant is reported in 0.0054% of alleles in individuals of East Asian descent in gnomAD. In vitro analysis of the p.Arg165Gln change demonstrated impaired function of the p.Arg165Gln variant protein, including high levels of intracellular retention compared to control and reduced binding to NDP-αMSH (Farooqi et al. 2003. PubMed ID: 12646665; Larsen et al. 2005. PubMed ID: 15486053; René et al. 2010. PubMed ID: 20826565). Taken together, we classify this variant as pathogenic.

Labcorp Genetics (formerly Invitae), Labcorp
Classification: Pathogenic. Last evaluated: 2025-12-16. Review status: criteria provided, single submitter. Criteria: Invitae Variant Classification Sherloc (09022015). Collection method: clinical testing. Allele origin: germline.
Comment: This sequence change replaces arginine, which is basic and polar, with glutamine, which is neutral and polar, at codon 165 of the MC4R protein (p.Arg165Gln). This variant is present in population databases (rs747681609, gnomAD 0.006%). This missense change has been observed in individual(s) with MC4R-related obesity (PMID: 10903343, 12646665, 15486053, 18835933, 33889637). ClinVar contains an entry for this variant (Variation ID: 327713). Invitae Evidence Modeling of protein sequence and biophysical properties (such as structural, functional, and spatial information, amino acid conservation, physicochemical variation, residue mobility, and thermodynamic stability) indicates that this missense variant is not expected to disrupt MC4R protein function with a negative predictive value of 80%. Experimental studies have shown that this missense change affects MC4R function (PMID: 12588803, 12690102, 15486053, 16752916, 24276017, 31002796). This variant disrupts the p.Arg165 amino acid residue in MC4R. Other variant(s) that disrupt this residue have been determined to be pathogenic (PMID: 10903341, 12690102, 16752916). This suggests that this residue is clinically significant, and that variants that disrupt this residue are likely to be disease-causing. For these reasons, this variant has been classified as Pathogenic.

Centre for Clinical Genetics and Genomic Diagnostics, Zealand University Hospital
Classification: Pathogenic. Last evaluated: 2025-05-14. Review status: criteria provided, single submitter. Criteria: ACMG Guidelines, 2015. Collection method: clinical testing. Allele origin: germline. Affected: yes.

Rady Children's Institute for Genomic Medicine, Rady Children's Hospital San Diego
Classification: Pathogenic for Obesity. Last evaluated: 2025-04-30. Review status: criteria provided, single submitter. Criteria: ACMG Guidelines, 2015. Collection method: clinical testing. Allele origin: germline. Affected: yes.
Comment: The c.494G>A (p.Arg165Gln) variant affects a highly conserved amino acid and is predicted by multiple in silico tools to have a deleterious effect on protein function. This is a recurrent variant that has been previously reported as a heterozygous change in patients with early-onset obesity and has been observed to segregate in families. Additionally, the prevalence of this variant in affected individuals is significantly increased compared with the prevalence in controls (PMID: 10903343, 12646665, 33889637, 15486053). The c.494G>A (p.Arg165Gln) variant is located in a mutational hotspot for pathogenic variations associated with early-onset obesity (PMID: 10903341, 12690102, 16752916). Functional studies indicate this variant may lead to reduced poor cell surface expression and reduced function (PMID: 12646665, 12690102, 15486053, 16752916, 31002796). The c.494G>A (p.Arg165Gln) variant is present in the latest version of the gnomAD population database at an allele frequency of 0.003% (51/1613994). Based on the available evidence, c.494G>A (p.Arg165Gln) is classified as Pathogenic.

Cambridge Genomics Laboratory, East Genomic Laboratory Hub, NHS Genomic Medicine Service
Classification: Likely pathogenic for Severe early-onset obesity. Last evaluated: 2025-04-29. Review status: criteria provided, single submitter. Criteria: ACGS Best Practice Guidelines for Variant Classification in Rare Disease 2020. Collection method: clinical testing. Allele origin: germline. Affected: yes.
Comment: PS3_Moderate,PS4_Moderate,PM2,PM5

GeneDx
Classification: Likely pathogenic. Last evaluated: 2025-02-12. Review status: criteria provided, single submitter. Criteria: GeneDx Variant Classification Process June 2021. Collection method: clinical testing. Allele origin: germline. Affected: yes.
Comment: Published functional studies demonstrate a damaging effect with lack of binding to NDP-alphaMSH (PMID: 15486053); Reported in the heterozygous state in published literature in multiple individuals with obesity, and one individual without obesity (PMID: 12646665, 33889637, 15486053, 35574020, 28377240, 26788538); In silico analysis supports that this missense variant has a deleterious effect on protein structure/function; This variant is associated with the following publications: (PMID: 12588803, 12646665, 20826565, 17590021, 10903343, 12690102, 16752916, 31002796, 15486053, 33889637, 18835933, 22106157, 37601970, 35574020, 28377240, 26788538, 25332687, 17628007)

Institute of Human Genetics, Heidelberg University
Classification: Likely pathogenic for BODY MASS INDEX QUANTITATIVE TRAIT LOCUS 20. Last evaluated: 2025-01-17. Review status: criteria provided, single submitter. Criteria: ACMG Guidelines, 2015. Collection method: clinical testing. Allele origin: paternal. Affected: yes.
Comment: PS3_mod, PM2_supp, PP3_supp, PM5

MGZ Medical Genetics Center
Classification: Likely pathogenic for BODY MASS INDEX QUANTITATIVE TRAIT LOCUS 20. Last evaluated: 2021-11-30. Review status: criteria provided, single submitter. Criteria: ACMG Guidelines, 2015. Collection method: clinical testing. Allele origin: germline. Affected: yes. Observed: 2 variant alleles.
Comment: ACMG criteria applied: PS4, PS3_SUP, PM2_SUP, PP1, PP3

Blueprint Genetics
Classification: Pathogenic for MC4R-related disorders. Last evaluated: 2021-09-03. Review status: criteria provided, single submitter. Criteria: ACMG Guidelines, 2015. Collection method: clinical testing. Allele origin: germline. Affected: yes. Observed: 5 variant alleles.

Broad Center for Mendelian Genomics, Broad Institute of MIT and Harvard
Classification: Likely pathogenic for Obesity. Last evaluated: 2020-01-22. Review status: criteria provided, single submitter. Criteria: ACMG Guidelines, 2015. Collection method: curation. Allele origin: germline. Inheritance: Autosomal dominant inheritance.
Comment: The p.Arg165Gln variant in MC4R has been reported in 20 individuals with Obesity, segregated with disease in 2 affected relatives from one family, (PMID: 10903343, 12646665, 15448103, 15486053, 29861388), and has been identified in 0.005441% (1/18380) of East Asian chromosomes and 0.004399% (5/113650) of European (non-Finnish) chromosomes by the Genome Aggregation Database (gnomAD; dbSNP rs747681609). Although this variant has been seen in the general population, its frequency is low enough to be consistent with a carrier frequency. Please note that for diseases with clinical variability, or reduced penetrance, pathogenic variants may be present at a low frequency in the general population. This variant has also been reported likely pathogenic in ClinVar (Variation ID: 327713). In vitro functional studies provide some evidence that the p.Arg165Gln variant may impact expression, ligand binding, and protein activity (PMID: 12588803, 12690102, 12646665, 15486053, 20826565). However, these types of assays may not accurately represent biological function. Computational prediction tools and conservation analyses suggest that this variant may impact the protein, though this information is not predictive enough to determine pathogenicity. One additional likely pathogenic variant, resulting in a different amino acid change at the same position, p.Arg165Gly, has been reported in association with disease in the literature, slightly supporting that a change at this position may not be tolerated (PMID: 22106157, 24276017, 25332687). In summary, although additional studies are required to fully establish its clinical significance, this variant is likely pathogenic. ACMG/AMP Criteria applied: PS4, PS3_Moderate, PM2_Supporting, PM5_supporting (Richards 2015).

NM_005912.3(MC4R):c.494G>A (p.Arg165Gln)

Gene: MC4R (melanocortin 4 receptor; minus strand). Cytogenetic location: 18q21.32.
Variant type: single nucleotide variant.
Coding change: c.494G>A on transcript NM_005912.3 (MANE Select); coding-DNA position 494, G replaced by A.
Protein change: p.Arg165Gln; replaces arginine 165 with glutamine.
Molecular consequence: missense variant.
Genome position (GRCh38, 1-based): chr18:60,371,856, C>T on the plus strand (G>A on the coding strand, the complement: MC4R is on the minus strand). VCF-style: chr18-60371856-C-T. GRCh37 (hg19) VCF-style: chr18-58039089-C-T.
Other names: short protein forms R165Q.
Identifiers: ClinVar variation 327713 (VCV000327713.21), dbSNP rs747681609, ClinGen allele CA8980909.